The following is an entry in ClinVar:

ClinVar aggregate classification (germline): Uncertain significance (1 of 4 stars; one submission).

Allele frequency attached by ClinVar (database versions not stated): gnomAD exomes below 0.00001; gnomAD 0.00001.
gnomAD v4.1: 2 of 1,613,776 alleles (0.00012%); highest among the groups gnomAD compares: African/African-American, 0.0013%; no homozygotes.

Submission:

Labcorp Genetics (formerly Invitae), Labcorp
Classification: Uncertain significance. Last evaluated: 2022-11-08. Review status: criteria provided, single submitter. Criteria: Invitae Variant Classification Sherloc (09022015). Collection method: clinical testing. Allele origin: germline.
Comment: Advanced modeling of protein sequence and biophysical properties (such as structural, functional, and spatial information, amino acid conservation, physicochemical variation, residue mobility, and thermodynamic stability) performed at Invitae indicates that this missense variant is not expected to disrupt NDUFV1 protein function. In summary, the available evidence is currently insufficient to determine the role of this variant in disease. Therefore, it has been classified as a Variant of Uncertain Significance. ClinVar contains an entry for this variant (Variation ID: 1434793). This variant has not been reported in the literature in individuals affected with NDUFV1-related conditions. This variant is not present in population databases (gnomAD no frequency). This sequence change replaces threonine, which is neutral and polar, with alanine, which is neutral and non-polar, at codon 334 of the NDUFV1 protein (p.Thr334Ala).

NM_007103.4(NDUFV1):c.1000A>G (p.Thr334Ala)

Gene: NDUFV1 (NADH:ubiquinone oxidoreductase core subunit V1; plus strand). Cytogenetic location: 11q13.2.
Variant type: single nucleotide variant.
Coding change: c.1000A>G on transcript NM_007103.4 (MANE Select); coding-DNA position 1000, A replaced by G.
Protein change: p.Thr334Ala; replaces threonine 334 with alanine.
Molecular consequence: missense variant.
Genome position (GRCh38, 1-based): chr11:67,611,489, A>G. VCF-style: chr11-67611489-A-G. GRCh37 (hg19) VCF-style: chr11-67378960-A-G.
Other names: c.973A>G, p.Thr325Ala (NM_001166102.2); short protein forms T334A, T325A.
Identifiers: ClinVar variation 1434793 (VCV001434793.6), dbSNP rs989795042, ClinGen allele CA381540849.
Genomic context (GRCh38, chr11:67,611,489, plus strand): 5'-CTCCTTGCTGTGATCCCTGGCGGCTCGTCTACCCCACTGATCCCCAAGTCTGTGTGTGAG[A>G]CGGTGCTGATGGACTTCGATGCGCTGGTGCAGGCACAGACAGGCCTGGGCACAGCTGCGG-3'
Protein context (NP_009034.2, residues 324-344): TPLIPKSVCE[Thr334Ala]VLMDFDALVQ